The following is an entry in ClinVar:

NM_002890.3(RASA1):c.2366G>A (p.Arg789Gln)

Genes: CCNH (cyclin H; minus strand), RASA1 (RAS p21 protein activator 1; plus strand). Cytogenetic location: 5q14.3.
Variant type: single nucleotide variant.
Coding change: c.2366G>A on transcript NM_002890.3 (MANE Select); coding-DNA position 2366, G replaced by A.
Protein change: p.Arg789Gln; replaces arginine 789 with glutamine.
Molecular consequence: missense variant. On other transcripts: intron variant (1).
Genome position (GRCh38, 1-based): chr5:87,378,417, G>A. VCF-style: chr5-87378417-G-A. GRCh37 (hg19) VCF-style: chr5-86674234-G-A.
Other names: c.1835G>A, p.Arg612Gln (NM_022650.3); c.933+16627C>T (NM_001364075.2); short protein forms R612Q, R789Q.
Identifiers: ClinVar variation 1045761 (VCV001045761.9), dbSNP rs1761468673, ClinGen allele CA360382043.

ClinVar aggregate classification (germline): Pathogenic (1 of 4 stars; one submission).

Conditions:
Capillary malformation-arteriovenous malformation syndrome. Also called: Capillary malformation-arteriovenous malformation. Identifiers: Orphanet 137667, MedGen C1842180, MONDO:0012016.

Submission:

Labcorp Genetics (formerly Invitae), Labcorp
Classification: Pathogenic for Capillary malformation-arteriovenous malformation syndrome. Last evaluated: 2026-01-05. Review status: criteria provided, single submitter. Criteria: Invitae Variant Classification Sherloc (09022015). Collection method: clinical testing. Allele origin: germline.
Comment: This sequence change replaces arginine, which is basic and polar, with glutamine, which is neutral and polar, at codon 789 of the RASA1 protein (p.Arg789Gln). This variant is not present in population databases (gnomAD no frequency). This missense change has been observed in individual(s) with capillary malformation-arteriovenous malformation (PMID: 38934655; internal data). It has also been observed to segregate with disease in related individuals. ClinVar contains an entry for this variant (Variation ID: 1045761). An algorithm developed to predict the effect of missense changes on protein structure and function (PolyPhen-2) suggests that this variant is likely to be disruptive. For these reasons, this variant has been classified as Pathogenic.

Literature cited by the submitters: PubMed 38934655.